The following is an entry in ClinVar:

ClinVar aggregate classification (germline): Uncertain significance. Review status: criteria provided, multiple submitters, no conflicts (2 of 4 stars). 3 submissions from 3 submitters: Uncertain significance (3). Last evaluated 2024-06-11.

Conditions:
Hereditary cancer-predisposing syndrome. Also called: Tumor predisposition; Hereditary neoplastic syndrome; Hereditary Cancer Syndrome; Neoplastic Syndromes, Hereditary. Identifiers: Orphanet 140162, MedGen C0027672, MeSH D009386, MONDO:0015356.
Multiple endocrine neoplasia, type 2 (MEN2). Identifiers: Orphanet 653, MedGen C4048306, MONDO:0019003. Disease mechanism: gain of function.

gnomAD v4.1: 1 of 1,614,284 alleles (0.000062%); highest among the groups gnomAD compares: Non-Finnish European, 0.000085%; no homozygotes.

Submissions (3):

Labcorp Genetics (formerly Invitae), Labcorp
Classification: Uncertain significance for Multiple endocrine neoplasia, type 2. Last evaluated: 2024-06-11. Review status: criteria provided, single submitter. Criteria: Invitae Variant Classification Sherloc (09022015). Collection method: clinical testing. Allele origin: germline.
Comment: This sequence change replaces leucine, which is neutral and non-polar, with valine, which is neutral and non-polar, at codon 132 of the RET protein (p.Leu132Val). This variant is not present in population databases (gnomAD no frequency). This variant has not been reported in the literature in individuals affected with RET-related conditions. ClinVar contains an entry for this variant (Variation ID: 1051717). Algorithms developed to predict the effect of missense changes on protein structure and function output the following: SIFT: "Not Available"; PolyPhen-2: "Benign"; Align-GVGD: "Not Available". The valine amino acid residue is found in multiple mammalian species, which suggests that this missense change does not adversely affect protein function. In summary, the available evidence is currently insufficient to determine the role of this variant in disease. Therefore, it has been classified as a Variant of Uncertain Significance.

All of Us Research Program, National Institutes of Health
Classification: Uncertain significance for Multiple endocrine neoplasia, type 2. Last evaluated: 2023-06-08. Review status: criteria provided, single submitter. Criteria: ACMG Guidelines, 2015. Collection method: clinical testing. Allele origin: germline. Inheritance: Autosomal dominant inheritance. Observed: 1 variant allele, 1 heterozygote.
Comment: This missense variant replaces leucine with valine at codon 132 of the RET protein. Computational prediction suggests that this variant may not impact protein structure and function (internally defined REVEL score threshold <= 0.5, PMID: 27666373). To our knowledge, functional studies have not been reported for this variant. This variant has not been reported in individuals affected with RET-related disorders in the literature. This variant has not been identified in the general population by the Genome Aggregation Database (gnomAD). The available evidence is insufficient to determine the role of this variant in disease conclusively. Therefore, this variant is classified as a Variant of Uncertain Significance.

This study involves interpretation of variants in research participants for the purpose of population health screening. Participant phenotype was not available at the time of variant classification. Additional details can be found in publication PMID: 35346344, PMCID: PMC8962531

Ambry Genetics
Classification: Uncertain significance for Hereditary cancer-predisposing syndrome. Last evaluated: 2022-11-04. Review status: criteria provided, single submitter. Criteria: Ambry Variant Classification Scheme 2023. Collection method: clinical testing. Allele origin: germline.
Comment: The p.L132V variant (also known as c.394C>G), located in coding exon 3 of the RET gene, results from a C to G substitution at nucleotide position 394. The leucine at codon 132 is replaced by valine, an amino acid with highly similar properties. This amino acid position is conserved. In addition, this alteration is predicted to be tolerated by in silico analysis. Since supporting evidence is limited at this time, the clinical significance of this alteration remains unclear.

NM_020975.6(RET):c.394C>G (p.Leu132Val)

Gene: RET (ret proto-oncogene; plus strand). Cytogenetic location: 10q11.21.
Variant type: single nucleotide variant.
Coding change: c.394C>G on transcript NM_020975.6 (MANE Select); coding-DNA position 394, C replaced by G.
Protein change: p.Leu132Val; replaces leucine 132 with valine.
Molecular consequence: missense variant.
Genome position (GRCh38, 1-based): chr10:43,102,398, C>G. VCF-style: chr10-43102398-C-G. GRCh37 (hg19) VCF-style: chr10-43597846-C-G.
Other names: c.394C>G, p.Leu132Val (NM_000323.2, NM_001406743.1, NM_001406744.1 and 16 more transcripts); short protein forms L132V.
Identifiers: ClinVar variation 1051717 (VCV001051717.12), dbSNP rs1554817540, ClinGen allele CA376770729.
Genomic context (GRCh38, chr10:43,102,398, plus strand): 5'-GCAGACCGCGGCTTTCCCCTGCTCACCGTCTACCTCAAGGTCTTCCTGTCACCCACATCC[C>G]TTCGTGAGGGCGAGTGCCAGTGGCCAGGCTGTGCCCGCGTATACTTCTCCTTCTTCAACA-3'
Protein context (NP_066124.1, residues 122-142): YLKVFLSPTS[Leu132Val]REGECQWPGC